The following is an entry in ClinVar:

NM_024496.4(IRF2BPL):c.626del (p.Pro209fs)

Gene: IRF2BPL (interferon regulatory factor 2 binding protein like; minus strand). Cytogenetic location: 14q24.3.
Variant type: Deletion.
Coding change: c.626del on transcript NM_024496.4 (MANE Select); coding-DNA position 626, one base deleted (C; older notation c.626delC).
Protein change: p.Pro209fs; shifts the reading frame from proline 209.
Molecular consequence: frameshift variant.
Genome position (GRCh38, 1-based): chr14:77,027,167, G deleted on the plus strand (C on the coding strand, the reverse complement: IRF2BPL is on the minus strand); the first of 5 consecutive G bases (chr14:77,027,167-77,027,171); deleting any one gives the same sequence. VCF-style (leftmost placement, unchanged base first): chr14-77027166-TG-T. GRCh37 (hg19) VCF-style: chr14-77493509-TG-T.
Other names: short protein forms P209fs.
Identifiers: ClinVar variation 3343272 (VCV003343272.1).
Genomic context (GRCh38, chr14:77,027,166, plus strand): 5'-ACGCCGAGACGCCACCGACGCCGCCGCTGAAGAAGAATTGGGGCTCTGACGGTTCAGCTC[TG>T]GGGGTCCCTCCTCTGGTGTTGGTTTGGGGAAGCCGTTTGGGCCCCCCAGGCCGTTGGGCA-3'

ClinVar aggregate classification (germline): Uncertain significance (1 of 4 stars; one submission).

Submission:

GeneDx
Classification: Uncertain significance. Last evaluated: 2023-05-02. Review status: criteria provided, single submitter. Criteria: GeneDx Variant Classification Process June 2021. Collection method: clinical testing. Allele origin: germline. Affected: yes.
Comment: Frameshift variant predicted to result in protein truncation, as the last 588 amino acids are replaced with 3 different amino acids, and other loss-of-function variants have been reported downstream in HGMD.; Has not been previously published as pathogenic or benign to our knowledge